The following is an entry in ClinVar:

ClinVar aggregate classification (germline): Pathogenic (1 of 4 stars; one submission).

Submission:

Labcorp Genetics (formerly Invitae), Labcorp
Classification: Pathogenic. Last evaluated: 2023-05-22. Review status: criteria provided, single submitter. Criteria: Invitae Variant Classification Sherloc (09022015). Collection method: clinical testing. Allele origin: germline.
Comment: This sequence change creates a premature translational stop signal (p.Ala567Valfs*3) in the KIAA0753 gene. It is expected to result in an absent or disrupted protein product. Loss-of-function variants in KIAA0753 are known to be pathogenic (PMID: 29138412). For these reasons, this variant has been classified as Pathogenic. This variant has not been reported in the literature in individuals affected with KIAA0753-related conditions. This variant is not present in population databases (gnomAD no frequency).

Literature cited by the submitters: PubMed 29138412.

NM_014804.3(KIAA0753):c.1700_1701del (p.Ala567fs)

Gene: KIAA0753 (KIAA0753; minus strand). Cytogenetic location: 17p13.1.
Variant type: Deletion.
Coding change: c.1700_1701del on transcript NM_014804.3 (MANE Select); coding-DNA positions 1700 to 1701, 2 bases deleted (CG; older notation c.1700_1701delCG).
Protein change: p.Ala567fs; shifts the reading frame from alanine 567.
Molecular consequence: frameshift variant. On other transcripts: non-coding transcript variant (3).
Genome position (GRCh38, 1-based): chr17:6,610,005-6,610,006, CG deleted on the plus strand (CG on the coding strand, the reverse complement: KIAA0753 is on the minus strand); deleting any 2 consecutive bases within chr17:6,610,005-6,610,007 gives the same sequence; the c. name uses the placement nearest the transcript's 3' end. VCF-style (leftmost placement, unchanged base first): chr17-6610004-ACG-A. GRCh37 (hg19) VCF-style: chr17-6513324-ACG-A.
Other names: c.803_804del, p.Ala268fs (NM_001351225.2); short protein forms A567fs, A268fs.
Identifiers: ClinVar variation 2864585 (VCV002864585.3), dbSNP rs2544409249, ClinGen allele CA2739267086.